The following is an entry in ClinVar:

NM_018124.4(RFWD3):c.300ACA[1] (p.Gln101del)

Gene: RFWD3 (ring finger and WD repeat domain 3; minus strand). Cytogenetic location: 16q23.1.
Variant type: Microsatellite.
Coding change: c.300ACA[1] on transcript NM_018124.4 (MANE Select); one copy of the 3-base unit ACA starting at c.300; the reference has two copies in a row; one copy, 3 bases deleted.
Protein change: p.Gln101del; deletes glutamine 101.
Molecular consequence: inframe deletion. On other transcripts: 5 prime UTR variant (4), intron variant (1).
Genome position (GRCh38, 1-based): chr16:74,661,145-74,661,147, TGT deleted on the plus strand (ACA on the coding strand, the reverse complement: RFWD3 is on the minus strand); deleting any 3 consecutive bases within chr16:74,661,145-74,661,151 gives the same sequence; the position shown is the placement nearest the transcript's 3' end. VCF-style (leftmost placement, unchanged base first): chr16-74661144-ATGT-A. GRCh37 (hg19) VCF-style: chr16-74695042-ATGT-A.
Other names: c.300ACA[1], p.Gln101del (NM_001370534.1, NM_001370535.1, NM_001370536.1); c.-709ACA[1] (NM_001370537.1); c.-332ACA[1] (NM_001370539.1); c.-333_-331AAC[1] (NM_001370541.1); c.-586ACA[1] (NM_001370542.1); c.-464ACA[1] (NM_001370543.1); c.-317+3477_-317+3479del (NM_001370540.1); short protein forms Q101del.
Identifiers: ClinVar variation 2876459 (VCV002876459.3), dbSNP rs756054495, ClinGen allele CA8169600.

ClinVar aggregate classification (germline): Uncertain significance (1 of 4 stars; one submission).

Submission:

Labcorp Genetics (formerly Invitae), Labcorp
Classification: Uncertain significance. Last evaluated: 2023-11-24. Review status: criteria provided, single submitter. Criteria: Invitae Variant Classification Sherloc (09022015). Collection method: clinical testing. Allele origin: germline.
Comment: This variant, c.303_305del, results in the deletion of 1 amino acid(s) of the RFWD3 protein (p.Gln101del), but otherwise preserves the integrity of the reading frame. This variant is present in population databases (rs756054495, gnomAD 0.003%). This variant has not been reported in the literature in individuals affected with RFWD3-related conditions. Experimental studies and prediction algorithms are not available or were not evaluated, and the functional significance of this variant is currently unknown. In summary, the available evidence is currently insufficient to determine the role of this variant in disease. Therefore, it has been classified as a Variant of Uncertain Significance.